The following is an entry in ClinVar:

NM_018075.5(ANO10):c.1843G>A (p.Asp615Asn)

Gene: ANO10 (anoctamin 10; minus strand). Cytogenetic location: 3p22.1.
Variant type: single nucleotide variant.
Coding change: c.1843G>A on transcript NM_018075.5 (MANE Select); coding-DNA position 1843, G replaced by A.
Protein change: p.Asp615Asn; replaces aspartic acid 615 with asparagine.
Molecular consequence: missense variant. On other transcripts: intron variant (3).
Genome position (GRCh38, 1-based): chr3:43,432,682, C>T on the plus strand (G>A on the coding strand, the complement: ANO10 is on the minus strand). VCF-style: chr3-43432682-C-T. GRCh37 (hg19) VCF-style: chr3-43474174-C-T.
Other names: ANO10, ASP615ASN (rs138000380); c.1645G>A, p.Asp549Asn (NM_001204832.3, NM_001346466.2, NM_001346469.2); c.1510G>A, p.Asp504Asn (NM_001204833.3); c.1273G>A, p.Asp425Asn (NM_001204834.3); c.1960G>A, p.Asp654Asn (NM_001346464.2, NM_001346467.2); c.1843G>A, p.Asp615Asn (NM_001346468.2); c.1798-65708G>A (NM_001346465.2); c.1798-59835G>A (NM_001204831.3); and 1 more; short protein forms D615N, D425N, D654N, D504N, D549N.
Identifiers: ClinVar variation 162017 (VCV000162017.46), dbSNP rs138000380, ClinGen allele CA213094.

ClinVar aggregate classification (germline): Conflicting classifications of pathogenicity. Review status: criteria provided, conflicting classifications (1 of 4 stars). 12 submissions from 12 submitters: Uncertain significance (7); Likely benign (3). 2 of the submissions do not count toward it. Last evaluated 2026-04-13.

Conditions:
Autosomal recessive spinocerebellar ataxia 10. Identifiers: Orphanet 284289, MedGen C3150998, MONDO:0013392, OMIM 613728.

Allele frequency attached by ClinVar (database versions not stated): ESP Exome Variant Server 0.00023; 1000 Genomes Project 0.00080; gnomAD 0.00040 and 0.00035; gnomAD exomes 0.00041 and 0.00050; 1000 Genomes Project 30x 0.00062; TOPMed 0.00034; ExAC 0.00035.
gnomAD v4.1: 794 of 1,613,904 alleles (0.049%); highest among the groups gnomAD compares: Non-Finnish European, 0.049%; no homozygotes.

Submissions (12):

Women's Health and Genetics/Laboratory Corporation of America, LabCorp
Classification: Likely benign. Last evaluated: 2026-04-13. Review status: criteria provided, single submitter. Criteria: LabCorp Variant Classification Summary - May 2015. Collection method: clinical testing. Allele origin: germline.
Comment: Variant summary: ANO10 c.1843G>A (p.Asp615Asn) results in a conservative amino acid change in the encoded protein sequence. Algorithms developed to predict the effect of missense changes on protein structure and function are either unavailable or do not agree on the potential impact of this missense change. The variant allele was found at a frequency of 0.00041 in 250800 control chromosomes, predominantly at a frequency of 0.0055 within the Non-Finnish European subpopulation in the gnomAD database. The observed variant frequency within Non-Finnish European control individuals in the gnomAD database exceeds the estimated maximal expected allele frequency for disease-causing variants in ANO10. c.1843G>A has been reported in the literature as a compound heterozygous genotype together with a frameshift variant in an individual affected with Autosomal Recessive Spinocerebellar Ataxia (Balreira_2014). These data do not allow any conclusion about variant significance. At least one publication reports experimental evidence evaluating an impact on protein function. This study showed that variant did not alter lipid scrambling compared to the wild-type protein in the presence or the absence of calcium (Bushell_2019); however, this does not allow convincing conclusions about the variant effect. The following publications have been ascertained in the context of this evaluation (PMID: 25182700, 31477691, 25976027). ClinVar contains an entry for this variant (Variation ID: 162017). Based on the evidence outlined above, the variant was classified as likely benign.

Labcorp Genetics (formerly Invitae), Labcorp
Classification: Likely benign. Last evaluated: 2026-01-24. Review status: criteria provided, single submitter. Criteria: Invitae Variant Classification Sherloc (09022015). Collection method: clinical testing. Allele origin: germline.

Athena Diagnostics
Classification: Likely benign. Last evaluated: 2025-06-20. Review status: criteria provided, single submitter. Criteria: Athena Diagnostics Criteria. Collection method: clinical testing. Allele origin: unknown.
Comment: The frequency of this variant in the general population is higher than would generally be expected for pathogenic variants in this gene. Assessment of experimental evidence regarding the effect of this variant on protein function is inconclusive.

GeneDx
Classification: Uncertain significance. Last evaluated: 2025-05-13. Review status: criteria provided, single submitter. Criteria: GeneDx Variant Classification Process June 2021. Collection method: clinical testing. Allele origin: germline. Affected: yes.
Comment: In silico analysis supports that this missense variant has a deleterious effect on protein structure/function; This variant is associated with the following publications: (PMID: 31589614, 35648332, 25976027, 25182700)

Blueprint Genetics
Classification: Uncertain significance. Last evaluated: 2024-08-09. Review status: criteria provided, single submitter. Criteria: ACMG Guidelines, 2015. Collection method: clinical testing. Allele origin: germline.

Department of Pathology and Laboratory Medicine, Sinai Health System
Classification: Uncertain significance for Autosomal recessive spinocerebellar ataxia 10. Last evaluated: 2023-01-24. Review status: criteria provided, single submitter. Criteria: ACMG Guidelines, 2015. Collection method: research. Allele origin: germline.

CeGaT Center for Human Genetics Tuebingen
Classification: Uncertain significance. Last evaluated: 2022-12-01. Review status: criteria provided, single submitter. Criteria: CeGaT Center For Human Genetics Tuebingen Variant Classification Criteria Version 2. Collection method: clinical testing. Allele origin: germline. Affected: yes. Observed: 1 variant allele.
Comment: ANO10: PM2:Supporting, PM3:Supporting

Fulgent Genetics
Classification: Uncertain significance for Autosomal recessive spinocerebellar ataxia 10. Last evaluated: 2022-03-30. Review status: criteria provided, single submitter. Criteria: ACMG Guidelines, 2015. Collection method: clinical testing. Allele origin: unknown.

Genetic Services Laboratory, University of Chicago
Classification: Uncertain significance. Last evaluated: 2021-04-21. Review status: criteria provided, single submitter. Criteria: ACMG Guidelines, 2015. Collection method: clinical testing. Allele origin: germline. Affected: no.
Comment: DNA sequence analysis of the ANO10 gene demonstrated a sequence change, c.1843G>A, in exon 12 that results in an amino acid change, p.Asp615Asn. The p.Asp615Asn change affects a moderately conserved amino acid residue located in a domain of the ANO10 protein that is known to be functional. In-silico pathogenicity prediction tools (SIFT, PolyPhen2, Align GVGD, REVEL) provide contradictory results for the p.Asp615Asn substitution. This particular amino acid change has been described in the literature in the compound heterozygous state with a pathogenic frameshift ANO10 variant in a patient with ataxia (Balreira et al., 2014). This sequence change has been described in the gnomAD database with a frequency of 0.55% in the Ashkenazi Jewish subpopulation (dbSNP rs138000380). Due to the high allele frequency in the gnomAD population database and the lack of functional studies, the p.Asp615Asn variant is interpreted as a variant of unknown significance.

Breakthrough Genomics
Classification: Uncertain significance. Review status: criteria provided, single submitter. Criteria: ACMG Guidelines, 2015. Collection method: not provided. Allele origin: germline. Inheritance: Autosomal recessive inheritance. Affected: yes.

Reproductive Health Research and Development, BGI Genomics
Classification: Likely pathogenic for Spinocerebellar ataxia, autosomal recessive 10. Last evaluated: 2020-01-06. Review status: no assertion criteria provided. Collection method: curation. Allele origin: germline. Not counted in ClinVar's aggregate classification.
Comment: NM_018075.3:c.1843G>A in the ANO10 gene has an allele frequency of 0.006 in Ashkenazi Jewish subpopulation in the gnomAD database. Considering the adult-onset, the global allele frequency is 0.0003792 and no homozygous was observed in the gnomAD database, we applied PM2. In addition, this missense variant has been reported in one study in which it is identified in one individual with adult-onset spinocerebellar ataxia in a compound heterozygous state with a frameshift variant (PMID25182700). Pathogenic computational verdict because pathogenic predictions from DANN, EIGEN, FATHMM-MKL, M-CAP, MutationAssessor, MutationTaster, PrimateAI, REVEL and SIFT. Taken together, we interprete this variant as Pathogenic/Likely pathogenic. ACMG/AMP Criteria applied: PP3; PM3; PP4; PM2.

OMIM
Classification: Uncertain significance for RECLASSIFIED - VARIANT OF UNKNOWN SIGNIFICANCE. Last evaluated: 2014-11-01. Review status: no assertion criteria provided. Collection method: literature only. Allele origin: germline. Not counted in ClinVar's aggregate classification.

Literature cited by the submitters: PubMed 25182700 (cited by 3 submitters); PubMed 31477691 (cited by Women's Health and Genetics/Laboratory Corporation of America, LabCorp and Athena Diagnostics); PubMed 25976027 (cited by Women's Health and Genetics/Laboratory Corporation of America, LabCorp and Athena Diagnostics); PubMed 32620747 (cited by Athena Diagnostics); PubMed 27066545 (cited by Athena Diagnostics); PubMed 31589614 (cited by Athena Diagnostics).